The following is an entry in ClinVar:

ClinVar aggregate classification (germline): Uncertain significance (1 of 4 stars; one submission).

gnomAD v4.1: 8 of 1,576,778 alleles (0.00051%); highest among the groups gnomAD compares: Admixed American, 0.0019%; no homozygotes.

Submission:

Labcorp Genetics (formerly Invitae), Labcorp
Classification: Uncertain significance. Last evaluated: 2024-04-26. Review status: criteria provided, single submitter. Criteria: Invitae Variant Classification Sherloc (09022015). Collection method: clinical testing. Allele origin: germline.
Comment: This sequence change replaces arginine, which is basic and polar, with glutamine, which is neutral and polar, at codon 828 of the MCM4 protein (p.Arg828Gln). This variant is not present in population databases (gnomAD no frequency). This variant has not been reported in the literature in individuals affected with MCM4-related conditions. Advanced modeling of protein sequence and biophysical properties (such as structural, functional, and spatial information, amino acid conservation, physicochemical variation, residue mobility, and thermodynamic stability) performed at Invitae indicates that this missense variant is not expected to disrupt MCM4 protein function with a negative predictive value of 80%. In summary, the available evidence is currently insufficient to determine the role of this variant in disease. Therefore, it has been classified as a Variant of Uncertain Significance.

NM_182746.3(MCM4):c.2483G>A (p.Arg828Gln)

Gene: MCM4 (minichromosome maintenance complex component 4; plus strand). Cytogenetic location: 8q11.21.
Variant type: single nucleotide variant.
Coding change: c.2483G>A on transcript NM_182746.3 (MANE Select); coding-DNA position 2483, G replaced by A.
Protein change: p.Arg828Gln; replaces arginine 828 with glutamine.
Molecular consequence: missense variant.
Genome position (GRCh38, 1-based): chr8:47,975,832, G>A. VCF-style: chr8-47975832-G-A. GRCh37 (hg19) VCF-style: chr8-48888392-G-A.
Other names: c.2483G>A, p.Arg828Gln (NM_005914.4); short protein forms R828Q.
Identifiers: ClinVar variation 3702162 (VCV003702162.2).
Genomic context (GRCh38, chr8:47,975,832, plus strand): 5'-TTATTTTATCTAAGGGCAAAACACCAGCTCTAAAATACCAGCAACTTTTTGAAGATATTC[G>A]GGGACAATCTGACATAGTAAGTGTTTATATGTATTTTTTGTTTGATAGAGCTTTCTCTTT-3'
Protein context (NP_877423.1, residues 818-838): LKYQQLFEDI[Arg828Gln]GQSDIAITKD